The following is an entry in ClinVar:

NC_000001.10:g.(?_186022937)_(186023138_?)del

Gene: HMCN1 (hemicentin 1; plus strand). Cytogenetic location: 1q31.1.
Variant type: Deletion.
Identifiers: ClinVar variation 2426991 (VCV002426991.4).

ClinVar aggregate classification (germline): Uncertain significance (1 of 4 stars; one submission).

Submission:

Labcorp Genetics (formerly Invitae), Labcorp
Classification: Uncertain significance. Last evaluated: 2023-03-14. Review status: criteria provided, single submitter. Criteria: Invitae Variant Classification Sherloc (09022015). Collection method: clinical testing. Allele origin: germline.
Comment: This variant is a gross deletion of the genomic region encompassing exon(s) 44 of the HMCN1 gene. This variant would be expected to be in-frame, preserving the integrity of the reading frame. In summary, the available evidence is currently insufficient to determine the role of this variant in disease. Therefore, it has been classified as a Variant of Uncertain Significance. This variant has not been reported in the literature in individuals affected with HMCN1-related conditions.